The following is an entry in ClinVar:

NM_000213.5(ITGB4):c.4008C>T (p.Asp1336=)

Genes: ITGB4 (integrin subunit beta 4; plus strand), GALK1 (galactokinase 1; minus strand). Cytogenetic location: 17q25.1.
Variant type: single nucleotide variant.
Coding change: c.4008C>T on transcript NM_000213.5 (MANE Select); coding-DNA position 4008, C replaced by T.
Protein change: p.Asp1336=; no amino-acid change (aspartic acid 1336 retained).
Molecular consequence: synonymous variant. On other transcripts: intron variant (1).
Genome position (GRCh38, 1-based): chr17:75,752,477, C>T. VCF-style: chr17-75752477-C-T. GRCh37 (hg19) VCF-style: chr17-73748558-C-T.
Other names: p.Asp1336=; c.4008C>T, p.Asp1336= (NM_001005619.2, NM_001005731.3, NM_001321123.2 and 1 more transcripts); c.*23-740G>A (NM_001381985.1).
Identifiers: ClinVar variation 325188 (VCV000325188.51), dbSNP rs61735288, ClinGen allele CA8770008.

ClinVar aggregate classification (germline): Benign/Likely benign. Review status: criteria provided, multiple submitters, no conflicts (2 of 4 stars). 10 submissions from 10 submitters: Benign (2); Likely benign (5). 3 of the submissions do not count toward it. Last evaluated 2026-03-01.

Conditions:
Junctional epidermolysis bullosa with pyloric atresia. Also called: EPIDERMOLYSIS BULLOSA, JUNCTIONAL 5B, WITH PYLORIC ATRESIA; Junctional Epidermolysis Bullosa- Pyloric Atresia Syndrome; APLASIA CUTIS CONGENITA WITH GASTROINTESTINAL ATRESIA; CARMI SYNDROME; EB-PA-ACC; ITGB4-Related Epidermolysis Bullosa with Pyloric Atresia. Identifiers: Orphanet 79403, MedGen C5676875, MONDO:0009183, OMIM 226730.

Allele frequency attached by ClinVar (database versions not stated): 1000 Genomes Project 30x 0.00125; gnomAD exomes 0.00292 and 0.00338; ESP Exome Variant Server 0.00323; TOPMed 0.00218; gnomAD 0.00269 and 0.00266; 1000 Genomes Project 0.00100; ExAC 0.00302.
gnomAD v4.1: 5,333 of 1,613,638 alleles (0.33%); highest among the groups gnomAD compares: Non-Finnish European, 0.37%; 10 homozygotes.

Submissions (10):

CeGaT Center for Human Genetics Tuebingen
Classification: Likely benign. Last evaluated: 2026-03-01. Review status: criteria provided, single submitter. Criteria: CeGaT Center For Human Genetics Tuebingen Variant Classification Criteria Version 2. Collection method: clinical testing. Allele origin: germline. Affected: yes. Observed: 3 variant alleles.
Comment: ITGB4: BP4, BP7

Labcorp Genetics (formerly Invitae), Labcorp
Classification: Benign. Last evaluated: 2026-01-26. Review status: criteria provided, single submitter. Criteria: Invitae Variant Classification Sherloc (09022015). Collection method: clinical testing. Allele origin: germline.

Blueprint Genetics
Classification: Likely benign. Last evaluated: 2024-11-11. Review status: criteria provided, single submitter. Criteria: ACMG Guidelines, 2015. Collection method: clinical testing. Allele origin: germline.

Mayo Clinic Laboratories, Mayo Clinic
Classification: Benign. Last evaluated: 2023-02-17. Review status: criteria provided, single submitter. Criteria: ACMG Guidelines, 2015. Collection method: clinical testing. Allele origin: germline. Observed: 2 variant alleles.
Comment: BS1, BS2, BP4, BP7

Eurofins Ntd Llc (ga)
Classification: Likely benign. Last evaluated: 2018-09-13. Review status: criteria provided, single submitter. Criteria: EGL ClinVar v180209 classification definitions. Collection method: clinical testing. Allele origin: germline. Observed: 1 variant allele, 1 heterozygote.

Illumina Laboratory Services, Illumina
Classification: Likely benign for Junctional epidermolysis bullosa with pyloric atresia. Last evaluated: 2018-01-12. Review status: criteria provided, single submitter. Criteria: ICSL Variant Classification Criteria 13 December 2019. Collection method: clinical testing. Allele origin: germline.
Comment: This variant was observed in the ICSL laboratory as part of a predisposition screen in an ostensibly healthy population. It had not been previously curated by ICSL or reported in the Human Gene Mutation Database (HGMD: prior to June 1st, 2018), and was therefore a candidate for classification through an automated scoring system. Utilizing variant allele frequency, disease prevalence and penetrance estimates, and inheritance mode, an automated score was calculated to assess if this variant is too frequent to cause the disease. Based on the score and internal cut-off values, a variant classified as likely benign is not then subjected to further curation. The score for this variant resulted in a classification of likely benign for this disease.

Breakthrough Genomics
Classification: Likely benign. Review status: criteria provided, single submitter. Criteria: ACMG Guidelines, 2015. Collection method: not provided. Allele origin: germline. Inheritance: Autosomal recessive inheritance. Affected: yes.

Clinical Genetics DNA and cytogenetics Diagnostics Lab, Erasmus MC, Erasmus Medical Center
Classification: Likely benign. Review status: no assertion criteria provided. Collection method: clinical testing. Allele origin: germline. Affected: yes. Study: VKGL Data-share Consensus. Not counted in ClinVar's aggregate classification.

Diagnostic Laboratory, Department of Genetics, University Medical Center Groningen
Classification: Likely benign. Review status: no assertion criteria provided. Collection method: clinical testing. Allele origin: germline. Affected: yes. Study: VKGL Data-share Consensus. Not counted in ClinVar's aggregate classification.

Genome Diagnostics Laboratory, University Medical Center Utrecht
Classification: Likely benign. Review status: no assertion criteria provided. Collection method: clinical testing. Allele origin: germline. Affected: yes. Study: VKGL Data-share Consensus. Not counted in ClinVar's aggregate classification.